The following is an entry in ClinVar:

ClinVar aggregate classification (germline): Uncertain significance. Review status: criteria provided, multiple submitters, no conflicts (2 of 4 stars). 4 submissions from 4 submitters: Uncertain significance (4). Last evaluated 2025-12-27.

Conditions:
RYR1-related disorder. Also called: RYR1-related disorders; RYR1-related condition. Identifiers: MedGen CN239331.
Congenital multicore myopathy with external ophthalmoplegia (CMYO1B). Also called: MULTIMINICORE DISEASE WITH EXTERNAL OPHTHALMOPLEGIA; Congenital myopathy 1B, autosomal recessive; Minicore myopathy; Minicore myopathy with external ophthalmoplegia; MULTICORE MYOPATHY. Identifiers: Orphanet 598, Orphanet 98905, MedGen C1850674, MONDO:0009712, OMIM 255320, HP:0003789.
Congenital myopathy with fiber type disproportion. Also called: Congenital fiber-type disproportion myopathy; Congenital fiber-type disproportion. Identifiers: Orphanet 2020, MedGen C0546264, MONDO:0009711. Inheritance: all.
Malignant hyperthermia, susceptibility to, 1 (MHS1). Also called: Anesthesia related hyperthermia; Malignant hyperpyrexia; Fulminating hyperpyrexia; Pharmacogenic myopathy; RYR1-Related Malignant Hyperthermia Susceptibility; Malignant hyperthermia suceptibility 1. Identifiers: Orphanet 423, MedGen C2930980, MONDO:0007783, OMIM 145600.
Central core myopathy (CMYO1A). Also called: CONGENITAL MYOPATHY 1A, AUTOSOMAL DOMINANT, WITH SUSCEPTIBILITY TO MALIGNANT HYPERTHERMIA; Central core disease; Myopathy, central fibrillar. Identifiers: Orphanet 597, MedGen C5830701, MONDO:0007294, OMIM 117000.
King Denborough syndrome (KDS). Identifiers: MedGen C1840365, MONDO:0020485, OMIM 619542.

Allele frequency attached by ClinVar (database versions not stated): ExAC 0.00001; gnomAD 0.00001; gnomAD exomes 0.00001 and 0.00002; TOPMed 0.00002.
gnomAD v4.1: 7 of 1,613,794 alleles (0.00043%); highest among the groups gnomAD compares: Admixed American, 0.01%; no homozygotes.

Submissions (4):

Labcorp Genetics (formerly Invitae), Labcorp
Classification: Uncertain significance for RYR1-related disorder. Last evaluated: 2025-12-27. Review status: criteria provided, single submitter. Criteria: Invitae Variant Classification Sherloc (09022015). Collection method: clinical testing. Allele origin: germline.
Comment: This sequence change replaces valine, which is neutral and non-polar, with methionine, which is neutral and non-polar, at codon 3236 of the RYR1 protein (p.Val3236Met). This variant is present in population databases (rs771264217, gnomAD 0.01%). This missense change has been observed in individual(s) with RYR1-related conditions (PMID: 32236737). ClinVar contains an entry for this variant (Variation ID: 590638). Invitae Evidence Modeling of protein sequence and biophysical properties (such as structural, functional, and spatial information, amino acid conservation, physicochemical variation, residue mobility, and thermodynamic stability) indicates that this missense variant is not expected to disrupt RYR1 protein function with a negative predictive value of 80%. In summary, the available evidence is currently insufficient to determine the role of this variant in disease. Therefore, it has been classified as a Variant of Uncertain Significance.

All of Us Research Program, National Institutes of Health
Classification: Uncertain significance for Malignant hyperthermia, susceptibility to, 1. Last evaluated: 2024-01-11. Review status: criteria provided, single submitter. Criteria: ACMG Guidelines, 2015. Collection method: clinical testing. Allele origin: germline. Inheritance: Autosomal dominant inheritance. Observed: 1 variant allele, 1 heterozygote.
Comment: This study involves interpretation of variants in research participants for the purpose of population health screening. Participant phenotype was not available at the time of variant classification. Additional details can be found in publication PMID: 35346344, PMCID: PMC8962531

Fulgent Genetics
Classification: Uncertain significance for Central core myopathy; Malignant hyperthermia, susceptibility to, 1; Congenital myopathy 4A, autosomal dominant; Congenital multicore myopathy with external ophthalmoplegia; King Denborough syndrome. Last evaluated: 2021-10-17. Review status: criteria provided, single submitter. Criteria: ACMG Guidelines, 2015. Collection method: clinical testing. Allele origin: unknown.

PreventionGenetics, part of Exact Sciences
Classification: Uncertain significance. Last evaluated: 2015-08-12. Review status: criteria provided, single submitter. Criteria: ACMG Guidelines, 2015. Collection method: clinical testing. Allele origin: germline.

Literature cited by the submitters: PubMed 32236737 (cited by Labcorp Genetics (formerly Invitae), Labcorp).

NM_000540.3(RYR1):c.9706G>A (p.Val3236Met)

Gene: RYR1 (ryanodine receptor 1; plus strand). Cytogenetic location: 19q13.2.
Variant type: single nucleotide variant.
Coding change: c.9706G>A on transcript NM_000540.3 (MANE Select); coding-DNA position 9706, G replaced by A.
Protein change: p.Val3236Met; replaces valine 3236 with methionine.
Molecular consequence: missense variant.
Genome position (GRCh38, 1-based): chr19:38,517,379, G>A. VCF-style: chr19-38517379-G-A. GRCh37 (hg19) VCF-style: chr19-39008019-G-A.
Other names: c.9706G>A, p.Val3236Met (NM_001042723.2); short protein forms V3236M.
Identifiers: ClinVar variation 590638 (VCV000590638.12), dbSNP rs771264217, ClinGen allele CA074067.